The following is an entry in ClinVar:

NM_000091.5(COL4A3):c.1892G>A (p.Gly631Glu)

Genes: COL4A3 (collagen type IV alpha 3 chain; plus strand), MFF-DT (MFF divergent transcript; minus strand). Cytogenetic location: 2q36.3.
Variant type: single nucleotide variant.
Coding change: c.1892G>A on transcript NM_000091.5 (MANE Select); coding-DNA position 1892, G replaced by A.
Protein change: p.Gly631Glu; replaces glycine 631 with glutamic acid.
Molecular consequence: missense variant.
Genome position (GRCh38, 1-based): chr2:227,273,082, G>A. VCF-style: chr2-227273082-G-A. GRCh37 (hg19) VCF-style: chr2-228137798-G-A.
Other names: short protein forms G631E.
Identifiers: ClinVar variation 844768 (VCV000844768.10), dbSNP rs1315862965, ClinGen allele CA350845009.

ClinVar aggregate classification (germline): Uncertain significance (1 of 4 stars; one submission).

Submission:

Labcorp Genetics (formerly Invitae), Labcorp
Classification: Uncertain significance. Last evaluated: 2019-12-30. Review status: criteria provided, single submitter. Criteria: Invitae Variant Classification Sherloc (09022015). Collection method: clinical testing. Allele origin: germline.
Comment: This variant is not present in population databases (ExAC no frequency). This sequence change replaces glycine with glutamic acid at codon 631 of the COL4A3 protein (p.Gly631Glu). The glycine residue is highly conserved and there is a moderate physicochemical difference between glycine and glutamic acid. This variant has not been reported in the literature in individuals with COL4A3-related conditions. In summary, the available evidence is currently insufficient to determine the role of this variant in disease. Therefore, it has been classified as a Variant of Uncertain Significance. Algorithms developed to predict the effect of missense changes on protein structure and function (SIFT, PolyPhen-2, Align-GVGD) all suggest that this variant is likely to be disruptive, but these predictions have not been confirmed by published functional studies and their clinical significance is uncertain.